The following is an entry in ClinVar:

NM_001371986.1(UNC80):c.6947T>A (p.Leu2316Gln)

Gene: UNC80 (unc-80 homolog, NALCN channel complex subunit; plus strand). Cytogenetic location: 2q34.
Variant type: single nucleotide variant.
Coding change: c.6947T>A on transcript NM_001371986.1 (MANE Select); coding-DNA position 6947, T replaced by A.
Protein change: p.Leu2316Gln; replaces leucine 2316 with glutamine.
Molecular consequence: missense variant.
Genome position (GRCh38, 1-based): chr2:209,943,411, T>A. VCF-style: chr2-209943411-T-A. GRCh37 (hg19) VCF-style: chr2-210808135-T-A.
Other names: c.6749T>A, p.Leu2250Gln (NM_032504.2); c.6734T>A, p.Leu2245Gln (NM_182587.4); short protein forms L2316Q, L2250Q, L2245Q.
Identifiers: ClinVar variation 1995524 (VCV001995524.2), dbSNP rs1015240608, ClinGen allele CA65042825.

ClinVar aggregate classification (germline): Uncertain significance (1 of 4 stars; one submission).

Allele frequency attached by ClinVar (database versions not stated): TOPMed 0.00001; gnomAD exomes 0.00003.
gnomAD v4.1: 45 of 1,552,254 alleles (0.0029%); highest among the groups gnomAD compares: Non-Finnish European, 0.0039%; no homozygotes.

Submission:

Labcorp Genetics (formerly Invitae), Labcorp
Classification: Uncertain significance. Last evaluated: 2022-07-04. Review status: criteria provided, single submitter. Criteria: Invitae Variant Classification Sherloc (09022015). Collection method: clinical testing. Allele origin: germline.
Comment: In summary, the available evidence is currently insufficient to determine the role of this variant in disease. Therefore, it has been classified as a Variant of Uncertain Significance. Algorithms developed to predict the effect of missense changes on protein structure and function are either unavailable or do not agree on the potential impact of this missense change (SIFT: "Not Available"; PolyPhen-2: "Probably Damaging"; Align-GVGD: "Not Available"). This variant has not been reported in the literature in individuals affected with UNC80-related conditions. This variant is not present in population databases (gnomAD no frequency). This sequence change replaces leucine, which is neutral and non-polar, with glutamine, which is neutral and polar, at codon 2250 of the UNC80 protein (p.Leu2250Gln).